The following is an entry in ClinVar:

NM_002972.4(SBF1):c.4269C>T (p.Ile1423=)

Gene: SBF1 (SET binding factor 1; minus strand). Cytogenetic location: 22q13.33.
Variant type: single nucleotide variant.
Coding change: c.4269C>T on transcript NM_002972.4 (MANE Select); coding-DNA position 4269, C replaced by T.
Protein change: p.Ile1423=; no amino-acid change (isoleucine 1423 retained).
Molecular consequence: synonymous variant.
Genome position (GRCh38, 1-based): chr22:50,455,580, G>A on the plus strand (C>T on the coding strand, the complement: SBF1 is on the minus strand). VCF-style: chr22-50455580-G-A. GRCh37 (hg19) VCF-style: chr22-50894009-G-A.
Other names: c.4194C>T, p.Ile1398= (NM_001365819.1).
Identifiers: ClinVar variation 1587629 (VCV001587629.33), dbSNP rs370634606, ClinGen allele CA10316316.
Genomic context (GRCh38, chr22:50,455,580, plus strand): 5'-CACGGAGGAGCCTGAATCCAGGAGCTCCACCACCAGCACAGACACCTGCAGCAGCTTGTG[G>A]ATCTGCAGGGACAGGCGGCCTCAGCACCTCGGGGACCCACCGCCCTCCCGCCTGGCCACT-3'
Protein context (NP_002963.2, residues 1413-1433): SLEDSEWLIQ[Ile1423=]HKLLQVSVLV

ClinVar aggregate classification (germline): Likely benign. Review status: criteria provided, multiple submitters, no conflicts (2 of 4 stars). 2 submissions from 2 submitters: Likely benign (2). Last evaluated 2023-12-05.

Allele frequency attached by ClinVar (database versions not stated): gnomAD 0.00002; ExAC 0.00003; TOPMed 0.00003; ESP Exome Variant Server 0.00016.
gnomAD v4.1: 7 of 1,570,988 alleles (0.00045%); highest among the groups gnomAD compares: Non-Finnish European, 0.00052%; no homozygotes.

Submissions (2):

Labcorp Genetics (formerly Invitae), Labcorp
Classification: Likely benign. Last evaluated: 2023-12-05. Review status: criteria provided, single submitter. Criteria: Invitae Variant Classification Sherloc (09022015). Collection method: clinical testing. Allele origin: germline.

CeGaT Center for Human Genetics Tuebingen
Classification: Likely benign. Last evaluated: 2022-09-01. Review status: criteria provided, single submitter. Criteria: CeGaT Center For Human Genetics Tuebingen Variant Classification Criteria Version 2. Collection method: clinical testing. Allele origin: germline. Affected: yes. Observed: 1 variant allele.
Comment: SBF1: BP4, BP7